The following is an entry in ClinVar:

ClinVar aggregate classification (germline): Uncertain significance (1 of 4 stars; one submission).

Conditions:
Early-infantile DEE. Also called: Early infantile epileptic encephalopathy; Ohtahara syndrome; Early infantile epileptic encephalopathy with suppression bursts. Identifiers: Orphanet 1934, MedGen C0393706, MONDO:0800491.

Allele frequency attached by ClinVar (database versions not stated): gnomAD exomes below 0.00001.

Submission:

Labcorp Genetics (formerly Invitae), Labcorp
Classification: Uncertain significance for Early-infantile DEE. Last evaluated: 2024-05-15. Review status: criteria provided, single submitter. Criteria: Invitae Variant Classification Sherloc (09022015). Collection method: clinical testing. Allele origin: germline.
Comment: This sequence change replaces methionine, which is neutral and non-polar, with valine, which is neutral and non-polar, at codon 751 of the SCN8A protein (p.Met751Val). This variant is not present in population databases (gnomAD no frequency). This variant has not been reported in the literature in individuals affected with SCN8A-related conditions. ClinVar contains an entry for this variant (Variation ID: 1462591). Advanced modeling of protein sequence and biophysical properties (such as structural, functional, and spatial information, amino acid conservation, physicochemical variation, residue mobility, and thermodynamic stability) performed at Invitae indicates that this missense variant is expected to disrupt SCN8A protein function with a positive predictive value of 95%. In summary, the available evidence is currently insufficient to determine the role of this variant in disease. Therefore, it has been classified as a Variant of Uncertain Significance.

NM_001330260.2(SCN8A):c.2251A>G (p.Met751Val)

Gene: SCN8A (sodium voltage-gated channel alpha subunit 8; plus strand). Cytogenetic location: 12q13.13.
Variant type: single nucleotide variant.
Coding change: c.2251A>G on transcript NM_001330260.2 (MANE Select); coding-DNA position 2251, A replaced by G.
Protein change: p.Met751Val; replaces methionine 751 with valine.
Molecular consequence: missense variant.
Genome position (GRCh38, 1-based): chr12:51,751,474, A>G. VCF-style: chr12-51751474-A-G. GRCh37 (hg19) VCF-style: chr12-52145258-A-G.
Other names: c.2251A>G, p.Met751Val (NM_001177984.3, NM_001369788.1, NM_014191.4); short protein forms M751V.
Identifiers: ClinVar variation 1462591 (VCV001462591.7), dbSNP rs1565910814, ClinGen allele CA384879961.